The following is an entry in ClinVar:

ClinVar aggregate classification (germline): Conflicting classifications of pathogenicity. Review status: criteria provided, conflicting classifications (1 of 4 stars). 2 submissions from 2 submitters: Uncertain significance (1); Likely benign (1). Last evaluated 2026-03-01.

Conditions:
Inborn genetic diseases. Identifiers: MedGen C0950123, MeSH D030342.

gnomAD v4.1: 1 of 1,614,198 alleles (0.000062%); highest among the groups gnomAD compares: Admixed American, 0.0017%; no homozygotes.

Submissions (2):

CeGaT Center for Human Genetics Tuebingen
Classification: Likely benign. Last evaluated: 2026-03-01. Review status: criteria provided, single submitter. Criteria: CeGaT Center For Human Genetics Tuebingen Variant Classification Criteria Version 2. Collection method: clinical testing. Allele origin: germline. Affected: yes. Observed: 1 variant allele.
Comment: ARHGAP31: BP4

Ambry Genetics
Classification: Uncertain significance for Inborn genetic diseases. Last evaluated: 2022-06-23. Review status: criteria provided, single submitter. Criteria: Ambry Variant Classification Scheme 2023. Collection method: clinical testing. Allele origin: germline.

NM_020754.4(ARHGAP31):c.2519C>A (p.Thr840Asn)

Gene: ARHGAP31 (Rho GTPase activating protein 31; plus strand). Cytogenetic location: 3q13.33.
Variant type: single nucleotide variant.
Coding change: c.2519C>A on transcript NM_020754.4 (MANE Select); coding-DNA position 2519, C replaced by A.
Protein change: p.Thr840Asn; replaces threonine 840 with asparagine.
Molecular consequence: missense variant.
Genome position (GRCh38, 1-based): chr3:119,414,448, C>A. VCF-style: chr3-119414448-C-A. GRCh37 (hg19) VCF-style: chr3-119133295-C-A.
Other names: short protein forms T840N.
Identifiers: ClinVar variation 2290216 (VCV002290216.6), dbSNP rs1177274439, ClinGen allele CA354051743.